The following is an entry in ClinVar:

NM_002907.4(RECQL):c.407T>C (p.Val136Ala)

Gene: RECQL (RecQ like helicase; minus strand). Cytogenetic location: 12p12.1.
Variant type: single nucleotide variant.
Coding change: c.407T>C on transcript NM_002907.4 (MANE Select); coding-DNA position 407, T replaced by C.
Protein change: p.Val136Ala; replaces valine 136 with alanine.
Molecular consequence: missense variant.
Genome position (GRCh38, 1-based): chr12:21,486,573, A>G on the plus strand (T>C on the coding strand, the complement: RECQL is on the minus strand). VCF-style: chr12-21486573-A-G. GRCh37 (hg19) VCF-style: chr12-21639507-A-G.
Other names: c.407T>C, p.Val136Ala (NM_032941.3); short protein forms V136A.
Identifiers: ClinVar variation 963487 (VCV000963487.18), dbSNP rs201331288, ClinGen allele CA233580826.

ClinVar aggregate classification (germline): Uncertain significance. Review status: criteria provided, multiple submitters, no conflicts (2 of 4 stars). 3 submissions from 3 submitters: Uncertain significance (3). Last evaluated 2025-03-18.

Allele frequency attached by ClinVar (database versions not stated): gnomAD 0.00002; gnomAD exomes 0.00002 and 0.00009; TOPMed 0.00002.

Submissions (3):

GeneDx
Classification: Uncertain significance. Last evaluated: 2025-03-18. Review status: criteria provided, single submitter. Criteria: GeneDx Variant Classification Process June 2021. Collection method: clinical testing. Allele origin: germline. Affected: yes.
Comment: Not observed at significant frequency in large population cohorts (gnomAD); In silico analysis supports that this missense variant has a deleterious effect on protein structure/function; Has not been previously published as pathogenic or benign to our knowledge; Variants in candidate genes are classified as variants of uncertain significance in accordance with ACMG guidelines (PMID: 25741868); This variant is associated with the following publications: (PMID: 27248010, 19151156)

Labcorp Genetics (formerly Invitae), Labcorp
Classification: Uncertain significance. Last evaluated: 2025-03-18. Review status: criteria provided, single submitter. Criteria: Invitae Variant Classification Sherloc (09022015). Collection method: clinical testing. Allele origin: germline.
Comment: This sequence change replaces valine, which is neutral and non-polar, with alanine, which is neutral and non-polar, at codon 136 of the RECQL protein (p.Val136Ala). This variant is present in population databases (rs201331288, gnomAD 0.003%). This variant has not been reported in the literature in individuals affected with RECQL-related conditions. ClinVar contains an entry for this variant (Variation ID: 963487). Invitae Evidence Modeling of protein sequence and biophysical properties (such as structural, functional, and spatial information, amino acid conservation, physicochemical variation, residue mobility, and thermodynamic stability) indicates that this missense variant is expected to disrupt RECQL protein function with a positive predictive value of 80%. In summary, the available evidence is currently insufficient to determine the role of this variant in disease. Therefore, it has been classified as a Variant of Uncertain Significance.

Ambry Genetics
Classification: Uncertain significance. Last evaluated: 2022-09-14. Review status: criteria provided, single submitter. Criteria: Ambry Variant Classification Scheme 2023. Collection method: clinical testing. Allele origin: germline.
Comment: The p.V136A variant (also known as c.407T>C), located in coding exon 4 of the RECQL gene, results from a T to C substitution at nucleotide position 407. The valine at codon 136 is replaced by alanine, an amino acid with similar properties. This amino acid position is highly conserved in available vertebrate species. In addition, the in silico prediction for this alteration is inconclusive. The evidence for this gene-disease relationship is limited; therefore, the clinical significance of this alteration is unclear.